The following is an entry in ClinVar:

NM_006648.4(WNK2):c.5398G>A (p.Gly1800Ser)

Gene: WNK2 (WNK lysine deficient protein kinase 2; plus strand). Cytogenetic location: 9q22.31.
Variant type: single nucleotide variant.
Coding change: c.5398G>A on transcript NM_006648.4 (MANE Select); coding-DNA position 5398, G replaced by A.
Protein change: p.Gly1800Ser; replaces glycine 1800 with serine.
Molecular consequence: missense variant.
Genome position (GRCh38, 1-based): chr9:93,292,863, G>A. VCF-style: chr9-93292863-G-A. GRCh37 (hg19) VCF-style: chr9-96055145-G-A.
Other names: c.5509G>A, p.Gly1837Ser (NM_001282394.3); short protein forms G1800S, G1837S.
Identifiers: ClinVar variation 3470520 (VCV003470520.1).
Genomic context (GRCh38, chr9:93,292,863, plus strand): 5'-TCCAGCCCCGACGTGAAGCTGGCAGTGCGGCGGGCGCAGACGGCCTCCTCCATCGAGGTC[G>A]GCGTGGGCGAGCCCGTGTCCAGCGACTCTGGGGACGAGGGCCCTCGGGCGAGACCCCCGG-3'
Protein context (NP_006639.3, residues 1790-1810): RAQTASSIEV[Gly1800Ser]VGEPVSSDSG

ClinVar aggregate classification (germline): Uncertain significance (1 of 4 stars; one submission).

gnomAD v4.1: 10 of 1,493,782 alleles (0.00067%); highest among the groups gnomAD compares: African/African-American, 0.0042%; no homozygotes.

Submission:

Ambry Genetics
Classification: Uncertain significance. Last evaluated: 2024-11-30. Review status: criteria provided, single submitter. Criteria: Ambry Variant Classification Scheme 2023. Collection method: clinical testing. Allele origin: germline.
Comment: The p.G1800S variant (also known as c.5398G>A), located in coding exon 22 of the WNK2 gene, results from a G to A substitution at nucleotide position 5398. The glycine at codon 1800 is replaced by serine, an amino acid with similar properties. This amino acid position is conserved. In addition, this alteration is predicted to be tolerated by in silico analysis. Based on the available evidence, the clinical significance of this variant remains unclear.